The following is an entry in ClinVar:

ClinVar aggregate classification (germline): Uncertain significance (1 of 4 stars; one submission).

Conditions:
Brugada syndrome. Also called: Sudden unexpected nocturnal death syndrome; Sudden unexplained nocturnal death syndrome; Sudden Unexplained Death Syndrome; Sudden Unexplained Nocturnal Death Syndrome (SUNDS). Identifiers: Orphanet 130, MedGen C1142166, MONDO:0015263.

Submission:

Labcorp Genetics (formerly Invitae), Labcorp
Classification: Uncertain significance for Brugada syndrome. Last evaluated: 2022-06-08. Review status: criteria provided, single submitter. Criteria: Invitae Variant Classification Sherloc (09022015). Collection method: clinical testing. Allele origin: germline.
Comment: This variant is not present in population databases (gnomAD no frequency). In summary, the available evidence is currently insufficient to determine the role of this variant in disease. Therefore, it has been classified as a Variant of Uncertain Significance. Retrotransposon insertions including LINE1 (L1), Alu, and SVA (SINE-VNTR-Alu) have been reported to disrupt protein function (PMID: 19763152, 20307669, 22406018). However the effect of this particular variant is unknown. Algorithms developed to predict the effect of sequence changes on RNA splicing suggest that this variant may disrupt the consensus splice site. This variant has not been reported in the literature in individuals affected with SCN10A-related conditions. This sequence change inserts a large fragment of DNA, likely a transposable element, in exon 16 of the SCN10A gene (c.2680_2681ins?), causing a frameshift at codon 894 (p.Ser894fs). The exact size and sequence of the insertion cannot be determined by the current assay. However, the insertion is expected to result in an absent or disrupted protein product.

Literature cited by the submitters: PubMed 19763152; PubMed 20307669; PubMed 22406018.

NM_006514.4(SCN10A):c.2680_2681insTTTTTTTTTTTTTTTTTTTTNNNNNNNNNNTAAACCTTTTCAGCTCCTTATTTTTTAATCTTTTTTTTTTTTTTTTTTTTTTTTTTTTTTTATTATACTCTAAGTTTTAGGGTACATCA (p.Ser894delinsIlePhePhePhePhePhePheXaaXaaXaaXaaAsnLeuPheSerSerLeuPhePheAsnLeuPhePhePhePhePhePhePhePhePheLeuLeuTyrSerLysPheTer)

Gene: SCN10A (sodium voltage-gated channel alpha subunit 10; minus strand). Cytogenetic location: 3p22.2.
Variant type: Insertion.
Coding change: c.2680_2681insTTTTTTTTTTTTTTTTTTTTNNNNNNNNNNTAAACCTTTTCAGCTCCTTATTTTTTAATCTTTTTTTTTTTTTTTTTTTTTTTTTTTTTTTATTATACTCTAAGTTTTAGGGTACATCA on transcript NM_006514.4 (MANE Select); coding-DNA positions 2680 to 2681, TTTTTTTTTTTTTTTTTTTTNNNNNNNNNNTAAACCTTTTCAGCTCCTTATTTTTTAATCTTTTTTTTTTTTTTTTTTTTTTTTTTTTTTTATTATACTCTAAGTTTTAGGGTACATCA inserted.
Protein change: p.Ser894delinsIlePhePhePhePhePhePheXaaXaaXaaXaaAsnLeuPheSerSerLeuPhePheAsnLeuPhePhePhePhePhePhePhePhePheLeuLeuTyrSerLysPheTer.
Molecular consequence: nonsense.
Genome position: GRCh38: chr3:38,727,015-38,727,016. GRCh37 (hg19): chr3:38,768,506-38,768,507.
Other names: c.2680_2681insTTTTTTTTTTTTTTTTTTTTNNNNNNNNNNTAAACCTTTTCAGCTCCTTATTTTTTAATCTTTTTTTTTTTTTTTTTTTTTTTTTTTTTTTATTATACTCTAAGTTTTAGGGTACATCA, p.Ser894delinsIlePhePhePhePhePhePheXaaXaaXaaXaaAsnLeuPheSerSerLeuPhePheAsnLeuPhePhePhePhePhePhePhePhePheLeuLeuTyrSerLysPheTer (NM_001293306.2); c.2386_2387insTTTTTTTTTTTTTTTTTTTTNNNNNNNNNNTAAACCTTTTCAGCTCCTTATTTTTTAATCTTTTTTTTTTTTTTTTTTTTTTTTTTTTTTTATTATACTCTAAGTTTTAGGGTACATCA, p.Ser796delinsIlePhePhePhePhePhePheXaaXaaXaaXaaAsnLeuPheSerSerLeuPhePheAsnLeuPhePhePhePhePhePhePhePhePheLeuLeuTyrSerLysPheTer (NM_001293307.2).
Identifiers: ClinVar variation 1999049 (VCV001999049.4), dbSNP rs2470673531.